The following is an entry in ClinVar:

NM_005609.4(PYGM):c.338C>T (p.Thr113Ile)

Gene: PYGM (glycogen phosphorylase, muscle associated; minus strand). Cytogenetic location: 11q13.1.
Variant type: single nucleotide variant.
Coding change: c.338C>T on transcript NM_005609.4 (MANE Select); coding-DNA position 338, C replaced by T.
Protein change: p.Thr113Ile; replaces threonine 113 with isoleucine.
Molecular consequence: missense variant. On other transcripts: intron variant (1).
Genome position (GRCh38, 1-based): chr11:64,758,610, G>A on the plus strand (C>T on the coding strand, the complement: PYGM is on the minus strand). VCF-style: chr11-64758610-G-A. GRCh37 (hg19) VCF-style: chr11-64526082-G-A.
Other names: c.244-344C>T (NM_001164716.1); short protein forms T113I.
Identifiers: ClinVar variation 990058 (VCV000990058.5), dbSNP rs147571836, ClinGen allele CA6080306.
Genomic context (GRCh38, chr11:64,758,610, plus strand): 5'-GTGTCAGCAGTGGAATCCCCCAGTCCCCACGGCTTGCCCCACCCCACACACACCTGGTAG[G>A]TGGCCTCGTCACAGGCATTCTCTAAGGCCAGGTTCACCATGGTGTTCTGTAGCGTCCGTC-3'
Protein context (NP_005600.1, residues 103-123): LALENACDEA[Thr113Ile]YQLGLDMEEL

ClinVar aggregate classification (germline): Uncertain significance. Review status: criteria provided, multiple submitters, no conflicts (2 of 4 stars). 3 submissions from 3 submitters: Uncertain significance (2). 1 of the submissions does not count toward it. Last evaluated 2023-12-29.

Conditions:
Glycogen storage disease, type V (GSD5). Also called: PYGM DEFICIENCY; McArdle type glycogen storage disease; MCARDLE DISEASE; MUSCLE GLYCOGEN PHOSPHORYLASE DEFICIENCY; MYOPHOSPHORYLASE DEFICIENCY. Identifiers: Orphanet 368, MedGen C0017924, MONDO:0009293, OMIM 232600.

Allele frequency attached by ClinVar (database versions not stated): ExAC 0.00001; gnomAD 0.00001; gnomAD exomes 0.00001; TOPMed 0.00001; ESP Exome Variant Server 0.00008.
gnomAD v4.1: 13 of 1,613,262 alleles (0.00081%); highest among the groups gnomAD compares: Non-Finnish European, 0.0011%; no homozygotes.

Submissions (3):

Fulgent Genetics
Classification: Uncertain significance for Glycogen storage disease, type V. Last evaluated: 2023-12-29. Review status: criteria provided, single submitter. Criteria: ACMG Guidelines, 2015. Collection method: clinical testing. Allele origin: germline.

Labcorp Genetics (formerly Invitae), Labcorp
Classification: Uncertain significance for Glycogen storage disease, type V. Last evaluated: 2022-09-13. Review status: criteria provided, single submitter. Criteria: Invitae Variant Classification Sherloc (09022015). Collection method: clinical testing. Allele origin: germline.
Comment: This sequence change replaces threonine, which is neutral and polar, with isoleucine, which is neutral and non-polar, at codon 113 of the PYGM protein (p.Thr113Ile). This variant is present in population databases (rs147571836, gnomAD 0.0009%). This variant has not been reported in the literature in individuals affected with PYGM-related conditions. ClinVar contains an entry for this variant (Variation ID: 990058). Advanced modeling of protein sequence and biophysical properties (such as structural, functional, and spatial information, amino acid conservation, physicochemical variation, residue mobility, and thermodynamic stability) performed at Invitae indicates that this missense variant is not expected to disrupt PYGM protein function. In summary, the available evidence is currently insufficient to determine the role of this variant in disease. Therefore, it has been classified as a Variant of Uncertain Significance.

Natera, Inc.
Classification: Uncertain significance for Glycogen storage disease V. Last evaluated: 2020-08-15. Review status: no assertion criteria provided. Collection method: clinical testing. Allele origin: germline. Not counted in ClinVar's aggregate classification.